The following is an entry in ClinVar:

ClinVar aggregate classification (germline): Uncertain significance (1 of 4 stars; one submission).

Conditions:
Developmental and epileptic encephalopathy, 33 (DEE33). Also called: Epileptic encephalopathy, early infantile, 33. Identifiers: Orphanet 442835, MedGen C4225337, MONDO:0014625, OMIM 616409.

Submission:

Labcorp Genetics (formerly Invitae), Labcorp
Classification: Uncertain significance for Developmental and epileptic encephalopathy, 33. Last evaluated: 2022-10-01. Review status: criteria provided, single submitter. Criteria: Invitae Variant Classification Sherloc (09022015). Collection method: clinical testing. Allele origin: germline.
Comment: In summary, the available evidence is currently insufficient to determine the role of this variant in disease. Therefore, it has been classified as a Variant of Uncertain Significance. Advanced modeling of protein sequence and biophysical properties (such as structural, functional, and spatial information, amino acid conservation, physicochemical variation, residue mobility, and thermodynamic stability) performed at Invitae indicates that this missense variant is not expected to disrupt EEF1A2 protein function. This variant has not been reported in the literature in individuals affected with EEF1A2-related conditions. This variant is not present in population databases (gnomAD no frequency). This sequence change replaces aspartic acid, which is acidic and polar, with asparagine, which is neutral and polar, at codon 243 of the EEF1A2 protein (p.Asp243Asn).

NM_001958.5(EEF1A2):c.727G>A (p.Asp243Asn)

Gene: EEF1A2 (eukaryotic translation elongation factor 1 alpha 2; minus strand). Cytogenetic location: 20q13.33.
Variant type: single nucleotide variant.
Coding change: c.727G>A on transcript NM_001958.5 (MANE Select); coding-DNA position 727, G replaced by A.
Protein change: p.Asp243Asn; replaces aspartic acid 243 with asparagine.
Molecular consequence: missense variant.
Genome position (GRCh38, 1-based): chr20:63,493,182, C>T on the plus strand (G>A on the coding strand, the complement: EEF1A2 is on the minus strand). VCF-style: chr20-63493182-C-T. GRCh37 (hg19) VCF-style: chr20-62124535-C-T.
Other names: short protein forms D243N.
Identifiers: ClinVar variation 1720785 (VCV001720785.6), dbSNP rs2516781253, ClinGen allele CA409648684.